The following is an entry in ClinVar:

ClinVar aggregate classification (germline): Likely benign. Review status: criteria provided, multiple submitters, no conflicts (2 of 4 stars). 4 submissions from 4 submitters: Likely benign (4). Last evaluated 2026-05-27.

Conditions:
ETFB-related disorder. Also called: ETFB-related condition.
Multiple acyl-CoA dehydrogenase deficiency (MADD). Also called: GA II; Glutaric aciduria, type 2; Glutaric Acidemia type 2; Glutaric acidemia type II; GA 2; ETHYLMALONIC-ADIPICACIDURIA. Identifiers: Orphanet 26791, MedGen C0268596, MONDO:0009282, OMIM 231680.

Allele frequency attached by ClinVar (database versions not stated): TOPMed 0.00003; gnomAD 0.00005 and 0.00006.
gnomAD v4.1: 49 of 1,614,016 alleles (0.003%); highest among the groups gnomAD compares: Middle Eastern, 0.066%; 1 homozygote.

Submissions (4):

PreventionGenetics, part of Exact Sciences
Classification: Likely benign for ETFB-related condition. Last evaluated: 2026-05-27. Review status: criteria provided, single submitter. Criteria: ACMG Guidelines, 2015. Collection method: clinical testing. Allele origin: germline.
Comment: This variant is classified as likely benign based on ACMG/AMP sequence variant interpretation guidelines (Richards et al. 2015 PMID: 25741868, with internal and published modifications).

Labcorp Genetics (formerly Invitae), Labcorp
Classification: Likely benign for Multiple acyl-CoA dehydrogenase deficiency. Last evaluated: 2025-08-24. Review status: criteria provided, single submitter. Criteria: Invitae Variant Classification Sherloc (09022015). Collection method: clinical testing. Allele origin: germline.

Blueprint Genetics
Classification: Likely benign. Last evaluated: 2024-08-23. Review status: criteria provided, single submitter. Criteria: ACMG Guidelines, 2015. Collection method: clinical testing. Allele origin: germline.

Women's Health and Genetics/Laboratory Corporation of America, LabCorp
Classification: Likely benign. Last evaluated: 2024-04-08. Review status: criteria provided, single submitter. Criteria: LabCorp Variant Classification Summary - May 2015. Collection method: clinical testing. Allele origin: germline.

NM_001985.3(ETFB):c.708C>T (p.Gly236=)

Gene: ETFB (electron transfer flavoprotein subunit beta; minus strand). Cytogenetic location: 19q13.41.
Variant type: single nucleotide variant.
Coding change: c.708C>T on transcript NM_001985.3 (MANE Select); coding-DNA position 708, C replaced by T.
Protein change: p.Gly236=; no amino-acid change (glycine 236 retained).
Molecular consequence: synonymous variant.
Genome position (GRCh38, 1-based): chr19:51,345,271, G>A on the plus strand (C>T on the coding strand, the complement: ETFB is on the minus strand). VCF-style: chr19-51345271-G-A. GRCh37 (hg19) VCF-style: chr19-51848525-G-A.
Other names: c.981C>T, p.Gly327= (NM_001014763.1).
Identifiers: ClinVar variation 706675 (VCV000706675.12), dbSNP rs749837573, ClinGen allele CA9610670.